The following is an entry in ClinVar:

NM_001039960.3(SLC4A8):c.2172+4824T>C

Gene: SLC4A8 (solute carrier family 4 member 8; plus strand). Cytogenetic location: 12q13.13.
Variant type: single nucleotide variant.
Coding change: c.2172+4824T>C on transcript NM_001039960.3 (MANE Select); 4824 bases into the intron after coding-DNA position 2172, T replaced by C.
Molecular consequence: intron variant. On other transcripts: synonymous variant (2).
Genome position (GRCh38, 1-based): chr12:51,480,030, T>C. VCF-style: chr12-51480030-T-C. GRCh37 (hg19) VCF-style: chr12-51873814-T-C.
Other names: c.2052T>C, p.Gly684= (NM_001258403.2, NM_001405266.1); c.2136+4824T>C (NM_001405270.1); c.2013+4824T>C (NM_001258401.3); c.2172+4824T>C (NM_001405268.1).
Identifiers: ClinVar variation 3388742 (VCV003388742.14).

ClinVar aggregate classification (germline): Likely benign (1 of 4 stars; one submission).

Submission:

CeGaT Center for Human Genetics Tuebingen
Classification: Likely benign. Last evaluated: 2024-10-01. Review status: criteria provided, single submitter. Criteria: CeGaT Center For Human Genetics Tuebingen Variant Classification Criteria Version 2. Collection method: clinical testing. Allele origin: germline. Affected: yes. Observed: 1 variant allele.
Comment: SLC4A8: BP4, BP7